The following is an entry in ClinVar:

ClinVar aggregate classification (germline): Uncertain significance (1 of 4 stars; one submission).

Conditions:
Malignant hyperthermia, susceptibility to, 1 (MHS1). Also called: RYR1-Related Malignant Hyperthermia Susceptibility; Anesthesia related hyperthermia; Malignant hyperpyrexia; Fulminating hyperpyrexia; Pharmacogenic myopathy; Malignant hyperthermia suceptibility 1. Identifiers: Orphanet 423, MedGen C2930980, MONDO:0007783, OMIM 145600.

Allele frequency attached by ClinVar (database versions not stated): gnomAD exomes below 0.00001; ExAC 0.00001.
gnomAD v4.1: 1 of 1,613,984 alleles (0.000062%); highest among the groups gnomAD compares: Non-Finnish European, 0.000085%; no homozygotes.

Submission:

All of Us Research Program, National Institutes of Health
Classification: Uncertain significance for Malignant hyperthermia, susceptibility to, 1. Last evaluated: 2023-05-31. Review status: criteria provided, single submitter. Criteria: ACMG Guidelines, 2015. Collection method: clinical testing. Allele origin: germline. Inheritance: Autosomal dominant inheritance. Observed: 2 variant alleles, 2 heterozygotes.
Comment: This study involves interpretation of variants in research participants for the purpose of population health screening. Participant phenotype was not available at the time of variant classification. Additional details can be found in publication PMID: 35346344, PMCID: PMC8962531

NM_000540.3(RYR1):c.1373T>G (p.Leu458Trp)

Gene: RYR1 (ryanodine receptor 1; plus strand). Cytogenetic location: 19q13.2.
Variant type: single nucleotide variant.
Coding change: c.1373T>G on transcript NM_000540.3 (MANE Select); coding-DNA position 1373, T replaced by G.
Protein change: p.Leu458Trp; replaces leucine 458 with tryptophan.
Molecular consequence: missense variant.
Genome position (GRCh38, 1-based): chr19:38,452,947, T>G. VCF-style: chr19-38452947-T-G. GRCh37 (hg19) VCF-style: chr19-38943587-T-G.
Other names: c.1373T>G, p.Leu458Trp (NM_001042723.2); short protein forms L458W.
Identifiers: ClinVar variation 3069442 (VCV003069442.1), dbSNP rs767440045, ClinGen allele CA060503.